The following is an entry in ClinVar:

ClinVar aggregate classification (germline): Uncertain significance (1 of 4 stars; one submission).

Submission:

GeneDx
Classification: Uncertain significance. Last evaluated: 2023-06-27. Review status: criteria provided, single submitter. Criteria: GeneDx Variant Classification Process June 2021. Collection method: clinical testing. Allele origin: germline. Affected: yes.
Comment: Not observed at significant frequency in large population cohorts (gnomAD); In silico analysis supports that this missense variant has a deleterious effect on protein structure/function; Has not been previously published as pathogenic or benign to our knowledge

NM_014991.6(WDFY3):c.10247T>C (p.Leu3416Ser)

Gene: WDFY3 (WD repeat and FYVE domain containing 3; minus strand). Cytogenetic location: 4q21.23.
Variant type: single nucleotide variant.
Coding change: c.10247T>C on transcript NM_014991.6 (MANE Select); coding-DNA position 10247, T replaced by C.
Protein change: p.Leu3416Ser; replaces leucine 3416 with serine.
Molecular consequence: missense variant.
Genome position (GRCh38, 1-based): chr4:84,678,180, A>G on the plus strand (T>C on the coding strand, the complement: WDFY3 is on the minus strand). VCF-style: chr4-84678180-A-G. GRCh37 (hg19) VCF-style: chr4-85599333-A-G.
Other names: short protein forms L3416S.
Identifiers: ClinVar variation 3360215 (VCV003360215.1).